The following is an entry in ClinVar:

ClinVar aggregate classification (germline): Uncertain significance (1 of 4 stars; one submission).

Conditions:
Hereditary cancer-predisposing syndrome. Also called: Neoplastic Syndromes, Hereditary; Tumor predisposition; Hereditary Cancer Syndrome; Hereditary neoplastic syndrome. Identifiers: Orphanet 140162, MedGen C0027672, MeSH D009386, MONDO:0015356.

Submission:

Ambry Genetics
Classification: Uncertain significance for Hereditary cancer-predisposing syndrome. Last evaluated: 2025-11-23. Review status: criteria provided, single submitter. Criteria: Ambry Variant Classification Scheme 2023. Collection method: clinical testing. Allele origin: germline.
Comment: The p.E1464G variant (also known as c.4391A>G), located in coding exon 15 of the APC gene, results from an A to G substitution at nucleotide position 4391. The glutamic acid at codon 1464 is replaced by glycine, an amino acid with similar properties. This amino acid position is conserved. In addition, in silico predictors for this gene do not accurately predict pathogenicity. Based on the available evidence, the clinical significance of this variant remains unclear.

NM_000038.6(APC):c.4391A>G (p.Glu1464Gly)

Gene: APC (APC regulator of Wnt signaling pathway; plus strand). Cytogenetic location: 5q22.2.
Variant type: single nucleotide variant.
Coding change: c.4391A>G on transcript NM_000038.6 (MANE Select); coding-DNA position 4391, A replaced by G.
Protein change: p.Glu1464Gly; replaces glutamic acid 1464 with glycine.
Molecular consequence: missense variant. On other transcripts: non-coding transcript variant (2).
Genome position (GRCh38, 1-based): chr5:112,839,985, A>G. VCF-style: chr5-112839985-A-G. GRCh37 (hg19) VCF-style: chr5-112175682-A-G.
Other names: c.4391A>G, p.Glu1464Gly (NM_001127510.3, NM_001354895.2, NM_001407450.1); c.4337A>G, p.Glu1446Gly (NM_001127511.3); c.4445A>G, p.Glu1482Gly (NM_001354896.2, NM_001407447.1, NM_001407448.1 and 1 more transcripts); c.4421A>G, p.Glu1474Gly (NM_001354897.2); c.4316A>G, p.Glu1439Gly (NM_001354898.2); c.4307A>G, p.Glu1436Gly (NM_001354899.2); c.4268A>G, p.Glu1423Gly (NM_001354900.2); c.4214A>G, p.Glu1405Gly (NM_001354901.2, NM_001407453.1); and 11 more; short protein forms E1335G, E1381G, E1405G, E1454G, E1482G, E1080G, E1457G, E1492G.
Identifiers: ClinVar variation 4592301 (VCV004592301.1).